The following is an entry in ClinVar:

NM_005419.4(STAT2):c.1612T>C (p.Trp538Arg)

Gene: STAT2 (signal transducer and activator of transcription 2; minus strand). Cytogenetic location: 12q13.3.
Variant type: single nucleotide variant.
Coding change: c.1612T>C on transcript NM_005419.4 (MANE Select); coding-DNA position 1612, T replaced by C.
Protein change: p.Trp538Arg; replaces tryptophan 538 with arginine.
Molecular consequence: missense variant.
Genome position (GRCh38, 1-based): chr12:56,348,769, A>G on the plus strand (T>C on the coding strand, the complement: STAT2 is on the minus strand). VCF-style: chr12-56348769-A-G. GRCh37 (hg19) VCF-style: chr12-56742553-A-G.
Other names: c.1600T>C, p.Trp534Arg (NM_198332.2); short protein forms W534R, W538R.
Identifiers: ClinVar variation 854396 (VCV000854396.9), dbSNP rs1877950590, ClinGen allele CA385260473.
Genomic context (GRCh38, chr12:56,348,769, plus strand): 5'-ATGTGGGCTAGATCCAGCAGCTCCACAGGATTCAGGGAGTTACCTTAGTGAAGTCAGCCC[A>G]GGACAATAATGGATCCTCAGTCCTACAGTTCTGCCCTGTGGGACAGATAGCCACAGACAG-3'
Protein context (NP_005410.1, residues 528-548): NCRTEDPLLS[Trp538Arg]ADFTKRESPP

ClinVar aggregate classification (germline): Uncertain significance (1 of 4 stars; one submission).

Conditions:
Primary immunodeficiency with post-measles-mumps-rubella vaccine viral infection. Also called: Immunodeficiency 44. Identifiers: Orphanet 431166, MedGen C4225260, MONDO:0014715, OMIM 616636.

Allele frequency attached by ClinVar (database versions not stated): gnomAD exomes below 0.00001.
gnomAD v4.1: 4 of 1,614,190 alleles (0.00025%); highest among the groups gnomAD compares: Non-Finnish European, 0.00025%; no homozygotes.

Submission:

Labcorp Genetics (formerly Invitae), Labcorp
Classification: Uncertain significance for Primary immunodeficiency with post-measles-mumps-rubella vaccine viral infection. Last evaluated: 2019-02-03. Review status: criteria provided, single submitter. Criteria: Invitae Variant Classification Sherloc (09022015). Collection method: clinical testing. Allele origin: germline.
Comment: This variant is not present in population databases (ExAC no frequency). In summary, the available evidence is currently insufficient to determine the role of this variant in disease. Therefore, it has been classified as a Variant of Uncertain Significance. Algorithms developed to predict the effect of missense changes on protein structure and function are either unavailable or do not agree on the potential impact of this missense change (SIFT: "Tolerated"; PolyPhen-2: "Probably Damaging"; Align-GVGD: "Class C0"). This variant has not been reported in the literature in individuals with STAT2-related conditions. This sequence change replaces tryptophan with arginine at codon 538 of the STAT2 protein (p.Trp538Arg). The tryptophan residue is moderately conserved and there is a moderate physicochemical difference between tryptophan and arginine.